The following is an entry in ClinVar:

ClinVar aggregate classification (germline): Likely benign (1 of 4 stars; one submission).

Submission:

CeGaT Center for Human Genetics Tuebingen
Classification: Likely benign. Last evaluated: 2023-02-01. Review status: criteria provided, single submitter. Criteria: CeGaT Center For Human Genetics Tuebingen Variant Classification Criteria Version 2. Collection method: clinical testing. Allele origin: germline. Affected: yes. Observed: 1 variant allele.
Comment: NOVA2: PM2:Supporting, BP4, BP7

NM_002516.4(NOVA2):c.363C>T (p.Pro121=)

Gene: NOVA2 (NOVA alternative splicing regulator 2; minus strand). Cytogenetic location: 19q13.32.
Variant type: single nucleotide variant.
Coding change: c.363C>T on transcript NM_002516.4 (MANE Select); coding-DNA position 363, C replaced by T.
Protein change: p.Pro121=; no amino-acid change (proline 121 retained).
Molecular consequence: synonymous variant.
Genome position (GRCh38, 1-based): chr19:45,953,813, G>A on the plus strand (C>T on the coding strand, the complement: NOVA2 is on the minus strand). VCF-style: chr19-45953813-G-A. GRCh37 (hg19) VCF-style: chr19-46457071-G-A.
Identifiers: ClinVar variation 2650137 (VCV002650137.24), dbSNP rs780423317, ClinGen allele CA507830129.